The following is an entry in ClinVar:

NM_030665.4(RAI1):c.36C>T (p.Gly12=)

Gene: RAI1 (retinoic acid induced 1; plus strand). Cytogenetic location: 17p11.2.
Variant type: single nucleotide variant.
Coding change: c.36C>T on transcript NM_030665.4 (MANE Select); coding-DNA position 36, C replaced by T.
Protein change: p.Gly12=; no amino-acid change (glycine 12 retained).
Molecular consequence: synonymous variant.
Genome position (GRCh38, 1-based): chr17:17,792,984, C>T. VCF-style: chr17-17792984-C-T. GRCh37 (hg19) VCF-style: chr17-17696298-C-T.
Identifiers: ClinVar variation 1710652 (VCV001710652.3), dbSNP rs2508566475, ClinGen allele CA498422287.

ClinVar aggregate classification (germline): Conflicting classifications of pathogenicity. Review status: criteria provided, conflicting classifications (1 of 4 stars). 2 submissions from 2 submitters: Uncertain significance (1); Likely benign (1). Last evaluated 2025-10-24.

Submissions (2):

Labcorp Genetics (formerly Invitae), Labcorp
Classification: Likely benign. Last evaluated: 2025-10-24. Review status: criteria provided, single submitter. Criteria: Invitae Variant Classification Sherloc (09022015). Collection method: clinical testing. Allele origin: germline.

GeneDx
Classification: Uncertain significance. Last evaluated: 2022-04-15. Review status: criteria provided, single submitter. Criteria: GeneDx Variant Classification Process June 2021. Collection method: clinical testing. Allele origin: germline. Affected: yes.
Comment: Not observed at significant frequency in large population cohorts (gnomAD); In silico analysis supports that this variant does not alter splicing; Has not been previously published as pathogenic or benign to our knowledge